The following is an entry in ClinVar:

NM_000030.3(AGXT):c.900del (p.Arg301fs)

Gene: AGXT (alanine--glyoxylate aminotransferase; plus strand). Cytogenetic location: 2q37.3.
Variant type: Deletion.
Coding change: c.900del on transcript NM_000030.3 (MANE Select); coding-DNA position 900, one base deleted (G; older notation c.900delG).
Protein change: p.Arg301fs; shifts the reading frame from arginine 301.
Molecular consequence: frameshift variant.
Genome position (GRCh38, 1-based): chr2:240,877,590, G deleted; the last of 3 consecutive G bases (chr2:240,877,588-240,877,590); deleting any one gives the same sequence. VCF-style (leftmost placement, unchanged base first): chr2-240877587-TG-T. GRCh37 (hg19) VCF-style: chr2-241817004-TG-T.
Other names: short protein forms R301fs.
Identifiers: ClinVar variation 5012378 (VCV005012378.1).

ClinVar aggregate classification (germline): Pathogenic (1 of 4 stars; one submission).

Conditions:
Primary hyperoxaluria, type I (HP1). Also called: GLYCOLIC ACIDURIA; HEPATIC AGT DEFICIENCY; OXALOSIS I; Primary hyperoxaluria type 1. Identifiers: Orphanet 416, Orphanet 93598, MedGen C0268164, MONDO:0009823, OMIM 259900. Disease mechanism: loss of function.

Submission:

Myriad Genetics, Inc.
Classification: Pathogenic for Primary hyperoxaluria, type I. Last evaluated: 2023-10-11. Review status: criteria provided, single submitter. Criteria: Myriad Autosomal Dominant, Autosomal Recessive and X-Linked Classification Criteria (2023). Collection method: clinical testing. Allele origin: unknown.
Comment: NM_000030.2(AGXT):c.900delG(R301Afs*11) is expected to be pathogenic in the context of primary hyperoxaluria type 1. This variant is predicted to lead to an abnormal or absent protein product due to the creation of a premature termination codon in AGXT, a gene where loss-of-function variants are known to be pathogenic. Please note: this variant was assessed in the context of healthy population screening.